The following is an entry in ClinVar:

ClinVar aggregate classification (germline): Uncertain significance (1 of 4 stars; one submission).

Conditions:
Inborn genetic diseases. Identifiers: MedGen C0950123, MeSH D030342.

Allele frequency attached by ClinVar (database versions not stated): gnomAD exomes below 0.00001; gnomAD 0.00001; 1000 Genomes Project 0.00020; 1000 Genomes Project 30x 0.00031.
gnomAD v4.1: 7 of 1,612,736 alleles (0.00043%); highest among the groups gnomAD compares: South Asian, 0.0077%; no homozygotes.

Submission:

Ambry Genetics
Classification: Uncertain significance for Inborn genetic diseases. Last evaluated: 2017-03-31. Review status: criteria provided, single submitter. Criteria: Ambry Variant Classification Scheme 2023. Collection method: clinical testing. Allele origin: germline.
Comment: The p.Q173K variant (also known as c.517C>A), located in coding exon 4 of the FOXP2 gene, results from a C to A substitution at nucleotide position 517. The glutamine at codon 173 is replaced by lysine, an amino acid with similar properties. This amino acid position is highly conserved in available vertebrate species. In addition, this alteration is predicted to be tolerated by in silico analysis. Since supporting evidence is limited at this time, the clinical significance of this alteration remains unclear.

NM_014491.4(FOXP2):c.517C>A (p.Gln173Lys)

Gene: FOXP2 (forkhead box P2; plus strand). Cytogenetic location: 7q31.1.
Variant type: single nucleotide variant.
Coding change: c.517C>A on transcript NM_014491.4 (MANE Select); coding-DNA position 517, C replaced by A.
Protein change: p.Gln173Lys; replaces glutamine 173 with lysine.
Molecular consequence: missense variant. On other transcripts: non-coding transcript variant (2).
Genome position (GRCh38, 1-based): chr7:114,629,925, C>A. VCF-style: chr7-114629925-C-A. GRCh37 (hg19) VCF-style: chr7-114269980-C-A.
Other names: c.517C>A, p.Gln173Lys (NM_001172766.3, NM_148899.3); c.592C>A, p.Gln198Lys (NM_001172767.2, NM_148898.4); c.568C>A, p.Gln190Lys (NM_148900.4); short protein forms Q173K, Q190K, Q198K.
Identifiers: ClinVar variation 588916 (VCV000588916.5), dbSNP rs564204446, ClinGen allele CA164859050.
Genomic context (GRCh38, chr7:114,629,925, plus strand): 5'-CAGCAGCAGCAACAGCAGCAGCAGCAACAACAGCAGCAACAACAGCAGCAGCAACAACAA[C>A]AACAACAGCAGCAACAACAGCAGCAGCAGCAGCAACAGCAGCAGCAGCAGCAACAGCATC-3'
Protein context (NP_055306.1, residues 163-183): QQQQQQQQQQ[Gln173Lys]QQQQQQQQQQ